The following is an entry in ClinVar:

ClinVar aggregate classification (germline): Benign (0 of 4 stars; one submission).

Conditions:
PTPRF-related disorder. Also called: PTPRF-related condition.

Allele frequency attached by ClinVar (database versions not stated): 1000 Genomes Project 30x 0.21611; 1000 Genomes Project 0.22204; TOPMed 0.22600; ESP Exome Variant Server 0.23335; gnomAD 0.24082; ExAC 0.28203; gnomAD exomes 0.30358.
gnomAD v4.1: 479,415 of 1,613,450 alleles (30%); highest among the groups gnomAD compares: Non-Finnish European, 31%; 74,235 homozygotes.

Submission:

PreventionGenetics, part of Exact Sciences
Classification: Benign for PTPRF-related condition. Last evaluated: 2019-10-21. Review status: no assertion criteria provided. Collection method: clinical testing. Allele origin: germline.
Comment: This variant is classified as benign based on ACMG/AMP sequence variant interpretation guidelines (Richards et al. 2015 PMID: 25741868, with internal and published modifications).

NM_002840.5(PTPRF):c.471C>T (p.Ala157=)

Gene: PTPRF (protein tyrosine phosphatase receptor type F; plus strand). Cytogenetic location: 1p34.2.
Variant type: single nucleotide variant.
Coding change: c.471C>T on transcript NM_002840.5 (MANE Select); coding-DNA position 471, C replaced by T.
Protein change: p.Ala157=; no amino-acid change (alanine 157 retained).
Molecular consequence: synonymous variant.
Genome position (GRCh38, 1-based): chr1:43,569,681, C>T. VCF-style: chr1-43569681-C-T. GRCh37 (hg19) VCF-style: chr1-44035352-C-T.
Other names: c.471C>T, p.Ala157= (NM_001329137.2, NM_001329138.2, NM_001329139.2 and 2 more transcripts).
Identifiers: ClinVar variation 3059678 (VCV003059678.2), dbSNP rs1065771, ClinGen allele CA811799.
Genomic context (GRCh38, chr1:43,569,681, plus strand): 5'-CGACATGGGGCCTCAGCTGAAGGTGGTGGAGAAGGCACGCACAGCCACCATGCTATGTGC[C>T]GCAGGCGGAAATCCAGACCCTGAGATTTCTTGGTTCAAGGACTTCCTTCCTGTAGACCCT-3'
Protein context (NP_002831.2, residues 147-167): EKARTATMLC[Ala157=]AGGNPDPEIS